The following is an entry in ClinVar:

NM_000424.4(KRT5):c.1388T>C (p.Leu463Pro)

Genes: KRT5 (keratin 5; minus strand), LOC126861525 (BRD4-independent group 4 enhancer GRCh37_chr12:52909857-52911056; plus strand). Cytogenetic location: 12q13.13.
Variant type: single nucleotide variant.
Coding change: c.1388T>C on transcript NM_000424.4 (MANE Select); coding-DNA position 1388, T replaced by C.
Protein change: p.Leu463Pro; replaces leucine 463 with proline.
Molecular consequence: missense variant.
Genome position (GRCh38, 1-based): chr12:52,516,688, A>G on the plus strand (T>C on the coding strand, the complement: KRT5 is on the minus strand). VCF-style: chr12-52516688-A-G. GRCh37 (hg19) VCF-style: chr12-52910472-A-G.
Other names: L462P; short protein forms L463P.
Identifiers: ClinVar variation 14639 (VCV000014639.9), dbSNP rs57599352, ClinGen allele CA216658.

ClinVar aggregate classification (germline): Pathogenic. Review status: criteria provided, multiple submitters, no conflicts (2 of 4 stars). 6 submissions from 6 submitters: Pathogenic (4). 2 of the submissions do not count toward it. Last evaluated 2026-03-14.

Conditions:
Epidermolysis bullosa simplex 2B, generalized intermediate (EBS2B). Also called: Epidermolysis bullosa simplex 2B, Koebner type. Identifiers: MedGen C5562009, MONDO:0030525, OMIM 619588.
Epidermolysis bullosa simplex. Also called: Epidermolysis bullosa simplex, Weber-Cockayne type (subtype); Epidermolysis bullosa simplex, Dowling-Meara type (subtype); Epidermolysis bullosa simplex with mottled pigmentation (subtype). Identifiers: Orphanet 304, MedGen C0079298, MONDO:0017610.

Allele frequency attached by ClinVar (database versions not stated): gnomAD exomes below 0.00001.
gnomAD v4.1: 1 of 1,614,192 alleles (0.000062%); no homozygotes.

Submissions (6):

Dasa
Classification: Pathogenic. Last evaluated: 2026-03-14. Review status: criteria provided, single submitter. Criteria: DASA Assertion Criteria. Collection method: clinical testing. Allele origin: germline.
Comment: NM_000424.4(KRT5):c.1388T>C (p.Leu463Pro) is a missense variant that results in the substitution of leucine with proline. Segregation evidence has been reported in affected families. Functional evidence supports a deleterious effect on the gene or gene product (PMID: 7686424; PMID: 9266030; PMID: 21623745). This variant has been recurrently observed in individuals with related phenotype (PMID: 7686424; PMID: 9266030; PMID: 21623745). Multiple computational predictions support a deleterious effect on the gene or gene product. The variant is present at low frequency in population datasets. Based on the available data, this variant is classified as pathogenic.

Labcorp Genetics (formerly Invitae), Labcorp
Classification: Pathogenic. Last evaluated: 2024-12-23. Review status: criteria provided, single submitter. Criteria: Invitae Variant Classification Sherloc (09022015). Collection method: clinical testing. Allele origin: germline.
Comment: This sequence change replaces leucine, which is neutral and non-polar, with proline, which is neutral and non-polar, at codon 463 of the KRT5 protein (p.Leu463Pro). This variant is not present in population databases (gnomAD no frequency). This missense change has been observed in individual(s) with epidermolysis bullosa simplex (PMID: 7686424). It has also been observed to segregate with disease in related individuals. ClinVar contains an entry for this variant (Variation ID: 14639). Invitae Evidence Modeling of protein sequence and biophysical properties (such as structural, functional, and spatial information, amino acid conservation, physicochemical variation, residue mobility, and thermodynamic stability) indicates that this missense variant is expected to disrupt KRT5 protein function with a positive predictive value of 95%. For these reasons, this variant has been classified as Pathogenic.

GeneDx
Classification: Pathogenic. Last evaluated: 2023-08-08. Review status: criteria provided, single submitter. Criteria: GeneDx Variant Classification Process June 2021. Collection method: clinical testing. Allele origin: germline. Affected: yes.
Comment: Located in the highly conserved helix termination motif of the alpha-helical rod domain, which is intolerant to change; variants in this motif interfere with proper keratin intermediate filament assembly and function, resulting in skin fragility and/or hyperkeratosis (Chamcheu et al., 2011); Not observed at significant frequency in large population cohorts (gnomAD); In silico analysis supports that this missense variant has a deleterious effect on protein structure/function; This variant is associated with the following publications: (PMID: 14723728, 20030639, 12655565, 12101866, 11990248, 21623745, 21176769, 7686424, 25017986, 24077912)

Biomedical Innovation Departament, CIEMAT
Classification: Pathogenic for Simplex epidermolysis bullosa. Last evaluated: 2010-12-07. Review status: criteria provided, single submitter. Criteria: ACMG Guidelines, 2015. Collection method: research. Allele origin: germline. Affected: yes. Observed: 1 variant allele.

OMIM
Classification: Pathogenic for EPIDERMOLYSIS BULLOSA SIMPLEX 2B, GENERALIZED INTERMEDIATE. Last evaluated: 1993-01-01. Review status: no assertion criteria provided. Collection method: literature only. Allele origin: germline. Not counted in ClinVar's aggregate classification.

Epithelial Biology;  Institute of Medical Biology, Singapore
No classification provided. Review status: no classification provided. Collection method: not provided. Allele origin: not provided. Not counted in ClinVar's aggregate classification.

Literature cited by the submitters: PubMed 7686424 (cited by 3 submitters); PubMed 9266030 (cited by Dasa); PubMed 21623745 (cited by Dasa); PubMed 17039244 (cited by Biomedical Innovation Departament, CIEMAT); PubMed 1718160 (cited by OMIM).